The following is an entry in ClinVar:

NM_000291.4(PGK1):c.164C>A (p.Ala55Asp)

Gene: PGK1 (phosphoglycerate kinase 1; plus strand). Cytogenetic location: Xq21.1.
Variant type: single nucleotide variant.
Coding change: c.164C>A on transcript NM_000291.4 (MANE Select); coding-DNA position 164, C replaced by A.
Protein change: p.Ala55Asp; replaces alanine 55 with aspartic acid.
Molecular consequence: missense variant.
Genome position (GRCh38, 1-based): chrX:78,113,791, C>A. VCF-style: chrX-78113791-C-A. GRCh37 (hg19) VCF-style: chrX-77369288-C-A.
Other names: short protein forms A55D.
Identifiers: ClinVar variation 1698730 (VCV001698730.5), dbSNP rs2149132087, ClinGen allele CA413718876.

ClinVar aggregate classification (germline): Uncertain significance. Review status: criteria provided, multiple submitters, no conflicts (2 of 4 stars). 2 submissions from 2 submitters: Uncertain significance (2). Last evaluated 2025-09-19.

Conditions:
Glycogen storage disease due to phosphoglycerate kinase 1 deficiency. Also called: PHOSPHOGLYCERATE KINASE 1 DEFICIENCY WITH LEVO-DOPA-RESPONSIVE PARKINSONISM; PGK1 DEFICIENCY. Identifiers: Orphanet 713, MedGen C1970848, MONDO:0010392, OMIM 300653.

Submissions (2):

Victorian Clinical Genetics Services, Murdoch Childrens Research Institute
Classification: Uncertain significance for Glycogen storage disease due to phosphoglycerate kinase 1 deficiency. Last evaluated: 2025-09-19. Review status: criteria provided, single submitter. Criteria: ACMG Guidelines, 2015. Collection method: clinical testing. Allele origin: germline.
Comment: This variant is classified as VUS-3A. Evidence in support of pathogenic classification: Variant is absent from gnomAD (v2, v3 and v4); Missense variant predicted to be damaging by in silico tool(s) or highly conserved with a major amino acid change. Additional information: Variant is predicted to result in a missense amino acid change from Ala to Asp; This gene is associated with X-linked recessive disease; This variant has no previous evidence of pathogenicity; No published evidence of segregation with disease has been identified for this variant; No published functional evidence has been identified for this variant; Another missense variant(s) comparable to the one identified in this case has inconclusive previous evidence for pathogenicity. p.(Ala55Ser) has been classified as a VUS by a clinical laboratory in ClinVar; Variant is located in the annotated PGK domain (DECIPHER); Loss of function is a known mechanism of disease in this gene and is associated with phosphoglycerate kinase 1 deficiency (MIM#300653).

Genetics and Molecular Pathology, SA Pathology
Classification: Uncertain significance for Glycogen storage disease due to phosphoglycerate kinase 1 deficiency. Last evaluated: 2021-06-21. Review status: criteria provided, single submitter. Criteria: ACMG Guidelines, 2015. Collection method: clinical testing. Allele origin: germline. Affected: yes.